The following is an entry in ClinVar:

ClinVar aggregate classification (germline): Benign/Likely benign. Review status: criteria provided, multiple submitters, no conflicts (2 of 4 stars). 8 submissions from 8 submitters: Benign (1); Likely benign (5). 2 of the submissions do not count toward it. Last evaluated 2025-12-21.

Conditions:
Hereditary breast ovarian cancer syndrome. Also called: Hereditary breast and ovarian cancer syndrome; Hereditary breast and ovarian cancer; Hereditary breast and ovarian cancer syndrome (HBOC); Breast and ovarian cancer; Hereditary breast and/or ovarian cancer syndrome; BRCA1- and BRCA2-Associated Hereditary Breast and Ovarian Cancer. Identifiers: Orphanet 145, MedGen C0677776, MeSH D061325, MONDO:0003582. Disease mechanism: loss of function.
Breast-ovarian cancer, familial, susceptibility to, 2 (BROVCA2). Also called: BRCA2 Hereditary Breast and Ovarian Cancer. Identifiers: Orphanet 145, MedGen C2675520, MONDO:0012933, OMIM 612555. Disease mechanism: loss of function.
Hereditary cancer-predisposing syndrome. Also called: Neoplastic Syndromes, Hereditary; Tumor predisposition; Hereditary neoplastic syndrome; Hereditary Cancer Syndrome. Identifiers: Orphanet 140162, MedGen C0027672, MeSH D009386, MONDO:0015356.

Allele frequency attached by ClinVar (database versions not stated): TOPMed below 0.00001; gnomAD 0.00001; gnomAD exomes 0.00002 and 0.00004; ExAC 0.00005.
gnomAD v4.1: 16 of 1,613,896 alleles (0.00099%); highest among the groups gnomAD compares: Non-Finnish European, 0.0011%; no homozygotes.

Submissions (8):

Labcorp Genetics (formerly Invitae), Labcorp
Classification: Likely benign for Hereditary breast ovarian cancer syndrome. Last evaluated: 2025-12-21. Review status: criteria provided, single submitter. Criteria: Invitae Variant Classification Sherloc (09022015). Collection method: clinical testing. Allele origin: germline.

Center for Genomic Medicine, Rigshospitalet, Copenhagen University Hospital
Classification: Likely benign. Last evaluated: 2025-03-04. Review status: criteria provided, single submitter. Criteria: ACMG Guidelines, 2015. Collection method: clinical testing. Allele origin: germline.

Myriad Genetics, Inc.
Classification: Benign for Breast-ovarian cancer, familial, susceptibility to, 2. Last evaluated: 2023-03-10. Review status: criteria provided, single submitter. Criteria: Myriad Autosomal Dominant, Autosomal Recessive and X-Linked Classification Criteria (2023). Collection method: clinical testing. Allele origin: unknown.
Comment: This variant is considered benign. This variant has been observed in trans with a known pathogenic variant in one or more individuals lacking clinical features consistent with gene-specific recessive disease. This variant is strongly associated with less severe personal and family histories of cancer, typical for individuals without pathogenic variants in this gene [PMID: 25085752].

GeneDx
Classification: Likely benign. Last evaluated: 2020-10-19. Review status: criteria provided, single submitter. Criteria: GeneDx Variant Classification Process June 2021. Collection method: clinical testing. Allele origin: germline. Affected: yes.
Comment: See Variant Classification Assertion Criteria.

Ambry Genetics
Classification: Likely benign for Hereditary cancer-predisposing syndrome. Last evaluated: 2019-12-06. Review status: criteria provided, single submitter. Criteria: Ambry Variant Classification Scheme 2023. Collection method: clinical testing. Allele origin: germline.

Color Diagnostics, LLC DBA Color Health
Classification: Likely benign for Hereditary cancer-predisposing syndrome. Last evaluated: 2017-03-05. Review status: criteria provided, single submitter. Criteria: ACMG Guidelines, 2015. Collection method: clinical testing. Allele origin: germline.

BRCAlab, Lund University
Classification: Likely benign for Breast-ovarian cancer, familial, susceptibility to, 2. Last evaluated: 2020-03-02. Review status: no assertion criteria provided. Collection method: clinical testing. Allele origin: germline. Affected: yes. Not counted in ClinVar's aggregate classification.

Breast Cancer Information Core (BIC) (BRCA2)
Classification: Uncertain significance for Breast-ovarian cancer, familial 2. Last evaluated: 2002-05-29. Review status: no assertion criteria provided. Collection method: clinical testing. Allele origin: germline. Affected: yes. Observed: 2 variant alleles. Not counted in ClinVar's aggregate classification.

Literature cited by the submitters: PubMed 25085752 (cited by Myriad Genetics, Inc.); PubMed 14746861 (cited by Ambry Genetics); PubMed 18559594 (cited by Ambry Genetics); PubMed 19043619 (cited by Ambry Genetics); PubMed 21990134 (cited by Ambry Genetics); PubMed 23108138 (cited by Ambry Genetics); PubMed 26733283 (cited by Ambry Genetics); PubMed 29394989 (cited by Ambry Genetics).

NM_000059.4(BRCA2):c.9187C>T (p.Pro3063Ser)

Gene: BRCA2 (BRCA2 DNA repair associated; plus strand). Cytogenetic location: 13q13.1.
Variant type: single nucleotide variant.
Coding change: c.9187C>T on transcript NM_000059.4 (MANE Select); coding-DNA position 9187, C replaced by T.
Protein change: p.Pro3063Ser; replaces proline 3063 with serine.
Molecular consequence: missense variant.
Genome position (GRCh38, 1-based): chr13:32,380,076, C>T. VCF-style: chr13-32380076-C-T. GRCh37 (hg19) VCF-style: chr13-32954213-C-T.
Other names: short protein forms P3063S.
Identifiers: ClinVar variation 52770 (VCV000052770.25), dbSNP rs80359176, ClinGen allele CA026020.